The following is an entry in ClinVar:

ClinVar aggregate classification (germline): Uncertain significance (1 of 4 stars; one submission).

Conditions:
Familial thoracic aortic aneurysm and aortic dissection (TAAD). Also called: Thoracic aortic aneurysms and dissections. Identifiers: Orphanet 91387, MedGen C4707243, MONDO:0019625.

Submission:

Ambry Genetics
Classification: Uncertain significance for Familial thoracic aortic aneurysm and aortic dissection. Last evaluated: 2024-11-03. Review status: criteria provided, single submitter. Criteria: Ambry Variant Classification Scheme 2023. Collection method: clinical testing. Allele origin: germline.
Comment: The p.I421T variant (also known as c.1262T>C), located in coding exon 11 of the PRKG1 gene, results from a T to C substitution at nucleotide position 1262. The isoleucine at codon 421 is replaced by threonine, an amino acid with similar properties. This amino acid position is conserved. In addition, the in silico prediction for this alteration is inconclusive. Based on the available evidence, the clinical significance of this variant remains unclear.

NM_006258.4(PRKG1):c.1262T>C (p.Ile421Thr)

Gene: PRKG1 (protein kinase cGMP-dependent 1; plus strand). Cytogenetic location: 10q21.1.
Variant type: single nucleotide variant.
Coding change: c.1262T>C on transcript NM_006258.4 (MANE Select); coding-DNA position 1262, T replaced by C.
Protein change: p.Ile421Thr; replaces isoleucine 421 with threonine.
Molecular consequence: missense variant.
Genome position (GRCh38, 1-based): chr10:52,271,438, T>C. VCF-style: chr10-52271438-T-C. GRCh37 (hg19) VCF-style: chr10-54031198-T-C.
Other names: c.1217T>C, p.Ile406Thr (NM_001098512.3); c.53T>C, p.Ile18Thr (NM_001374781.1); short protein forms I18T, I406T, I421T.
Identifiers: ClinVar variation 3425457 (VCV003425457.1).